The following is an entry in ClinVar:

ClinVar aggregate classification (germline): Uncertain significance (1 of 4 stars; one submission).

Conditions:
Neuroblastoma, susceptibility to, 3. Also called: ALK-Related Neuroblastic Tumor Susceptibility. Identifiers: Orphanet 635, MedGen C2751681, MONDO:0013083, OMIM 613014.

gnomAD v4.1: 1 of 1,613,432 alleles (0.000062%); highest among the groups gnomAD compares: South Asian, 0.0011%; no homozygotes.

Submission:

Labcorp Genetics (formerly Invitae), Labcorp
Classification: Uncertain significance for Neuroblastoma, susceptibility to, 3. Last evaluated: 2018-01-31. Review status: criteria provided, single submitter. Criteria: Invitae Variant Classification Sherloc (09022015). Collection method: clinical testing. Allele origin: germline.
Comment: In summary, the available evidence is currently insufficient to determine the role of this variant in disease. Therefore, it has been classified as a Variant of Uncertain Significance. Algorithms developed to predict the effect of missense changes on protein structure and function (SIFT, PolyPhen-2, Align-GVGD) all suggest that this variant is likely to be disruptive, but these predictions have not been confirmed by published functional studies and their clinical significance is uncertain. This variant has not been reported in the literature in individuals with ALK-related disease. ClinVar contains an entry for this variant (Variation ID: 470817). This variant is not present in population databases (ExAC no frequency). This sequence change replaces valine with leucine at codon 1045 of the ALK protein (p.Val1045Leu). The valine residue is highly conserved and there is a small physicochemical difference between valine and leucine.

NM_004304.5(ALK):c.3133G>C (p.Val1045Leu)

Gene: ALK (ALK receptor tyrosine kinase; minus strand). Cytogenetic location: 2p23.2.
Variant type: single nucleotide variant.
Coding change: c.3133G>C on transcript NM_004304.5 (MANE Select); coding-DNA position 3133, G replaced by C.
Protein change: p.Val1045Leu; replaces valine 1045 with leucine.
Molecular consequence: missense variant.
Genome position (GRCh38, 1-based): chr2:29,225,500, C>G on the plus strand (G>C on the coding strand, the complement: ALK is on the minus strand). VCF-style: chr2-29225500-C-G. GRCh37 (hg19) VCF-style: chr2-29448366-C-G.
Other names: short protein forms V1045L.
Identifiers: ClinVar variation 470817 (VCV000470817.8), dbSNP rs200641396, ClinGen allele CA346466870.
Genomic context (GRCh38, chr2:29,225,500, plus strand): 5'-CCTGGGGCTCTGTGCACTCACCAATCATGATGCCGGAGAAAGCCAGGACCAGGGCGGCCA[C>G]GAGGGCAGAGGTCACCACAGAGAGGATCAGCGAGAGTGGCAGGTGTGGCTCCGGGGTGGG-3'
Protein context (NP_004295.2, residues 1035-1055): LILSVVTSAL[Val1045Leu]AALVLAFSGI